The following is an entry in ClinVar:

ClinVar aggregate classification (germline): Likely pathogenic (1 of 4 stars; one submission).

Conditions:
Familial hypoparathyroidism. Also called: Familial isolated hypoparathyroidism. Identifiers: Orphanet 2238, MedGen C1832648, MONDO:0016390.

Submission:

Cambridge Genomics Laboratory, East Genomic Laboratory Hub, NHS Genomic Medicine Service
Classification: Likely pathogenic for Familial hypoparathyroidism. Last evaluated: 2026-05-27. Review status: criteria provided, single submitter. Criteria: ACGS Best Practice Guidelines for Variant Classification in Rare Disease 2020. Collection method: clinical testing. Allele origin: germline. Affected: yes.
Comment: PS4_Supporting,PM1,PM2,PP2,PP4

NM_000388.4(CASR):c.356A>G (p.Lys119Arg)

Gene: CASR (calcium sensing receptor; plus strand). Cytogenetic location: 3q21.1.
Variant type: single nucleotide variant.
Coding change: c.356A>G on transcript NM_000388.4 (MANE Select); coding-DNA position 356, A replaced by G.
Protein change: p.Lys119Arg; replaces lysine 119 with arginine.
Molecular consequence: missense variant.
Genome position (GRCh38, 1-based): chr3:122,257,251, A>G. VCF-style: chr3-122257251-A-G. GRCh37 (hg19) VCF-style: chr3-121976098-A-G.
Other names: c.356A>G, p.Lys119Arg (NM_001178065.2); short protein forms K119R.
Identifiers: ClinVar variation 4852797 (VCV004852797.1).